The following is an entry in ClinVar:

ClinVar aggregate classification (germline): Uncertain significance. Review status: criteria provided, multiple submitters, no conflicts (2 of 4 stars). 2 submissions from 2 submitters: Uncertain significance (2). Last evaluated 2025-06-18.

Allele frequency attached by ClinVar (database versions not stated): gnomAD exomes 0.00001; TOPMed 0.00001; ExAC 0.00003.
gnomAD v4.1: 13 of 1,613,844 alleles (0.00081%); highest among the groups gnomAD compares: Admixed American, 0.0067%; no homozygotes.

Submissions (2):

Ambry Genetics
Classification: Uncertain significance. Last evaluated: 2025-06-18. Review status: criteria provided, single submitter. Criteria: Ambry Variant Classification Scheme 2023. Collection method: clinical testing. Allele origin: germline.

Labcorp Genetics (formerly Invitae), Labcorp
Classification: Uncertain significance. Last evaluated: 2024-06-01. Review status: criteria provided, single submitter. Criteria: Invitae Variant Classification Sherloc (09022015). Collection method: clinical testing. Allele origin: germline.
Comment: This sequence change replaces alanine, which is neutral and non-polar, with threonine, which is neutral and polar, at codon 1976 of the MYH7B protein (p.Ala1976Thr). This variant is present in population databases (rs771191903, gnomAD 0.01%). This variant has not been reported in the literature in individuals affected with MYH7B-related conditions. ClinVar contains an entry for this variant (Variation ID: 2297740). An algorithm developed to predict the effect of missense changes on protein structure and function (PolyPhen-2) suggests that this variant is likely to be tolerated. In summary, the available evidence is currently insufficient to determine the role of this variant in disease. Therefore, it has been classified as a Variant of Uncertain Significance.

NM_020884.7(MYH7B):c.5800G>A (p.Ala1934Thr)

Gene: MYH7B (myosin heavy chain 7B; plus strand). Cytogenetic location: 20q11.22.
Variant type: single nucleotide variant.
Coding change: c.5800G>A on transcript NM_020884.7 (MANE Select); coding-DNA position 5800, G replaced by A.
Protein change: p.Ala1934Thr; replaces alanine 1934 with threonine.
Molecular consequence: missense variant.
Genome position (GRCh38, 1-based): chr20:35,002,071, G>A. VCF-style: chr20-35002071-G-A. GRCh37 (hg19) VCF-style: chr20-33589874-G-A.
Other names: short protein forms A1934T.
Identifiers: ClinVar variation 2297740 (VCV002297740.5), dbSNP rs771191903, ClinGen allele CA9828752.